The following is an entry in ClinVar:

ClinVar aggregate classification (germline): Uncertain significance (1 of 4 stars; one submission).

Allele frequency attached by ClinVar (database versions not stated): TOPMed below 0.00001.

Submission:

GeneDx
Classification: Uncertain significance. Last evaluated: 2020-08-21. Review status: criteria provided, single submitter. Criteria: GeneDx Variant Classification Process June 2021. Collection method: clinical testing. Allele origin: germline. Affected: yes.
Comment: Not observed in large population cohorts (Lek et al., 2016); In silico analysis supports that this missense variant has a deleterious effect on protein structure/function; Has not been previously published as pathogenic or benign to our knowledge

NM_001235.5(SERPINH1):c.1214G>T (p.Arg405Leu)

Gene: SERPINH1 (serpin family H member 1; plus strand). Cytogenetic location: 11q13.5.
Variant type: single nucleotide variant.
Coding change: c.1214G>T on transcript NM_001235.5 (MANE Select); coding-DNA position 1214, G replaced by T.
Protein change: p.Arg405Leu; replaces arginine 405 with leucine.
Molecular consequence: missense variant.
Genome position (GRCh38, 1-based): chr11:75,572,040, G>T. VCF-style: chr11-75572040-G-T. GRCh37 (hg19) VCF-style: chr11-75283085-G-T.
Other names: c.1214G>T, p.Arg405Leu (NM_001207014.3); short protein forms R405L.
Identifiers: ClinVar variation 1316431 (VCV001316431.2), dbSNP rs781125078, ClinGen allele CA381885672.